The following is an entry in ClinVar:

NM_002528.7(NTHL1):c.400A>T (p.Thr134Ser)

Gene: NTHL1 (nth like DNA glycosylase 1; minus strand). Cytogenetic location: 16p13.3.
Variant type: single nucleotide variant.
Coding change: c.400A>T on transcript NM_002528.7 (MANE Select); coding-DNA position 400, A replaced by T.
Protein change: p.Thr134Ser; replaces threonine 134 with serine.
Molecular consequence: missense variant. On other transcripts: intron variant (1).
Genome position (GRCh38, 1-based): chr16:2,044,755, T>A on the plus strand (A>T on the coding strand, the complement: NTHL1 is on the minus strand). VCF-style: chr16-2044755-T-A. GRCh37 (hg19) VCF-style: chr16-2094756-T-A.
Other names: c.70A>T, p.Thr24Ser (NM_001318194.2); c.355-1029A>T (NM_001318193.2); short protein forms T134S, T24S.
Identifiers: ClinVar variation 5025909 (VCV005025909.1).
Genomic context (GRCh38, chr16:2,044,755, plus strand): 5'-CCACCGTCAGGCCCCGCGCCCGCAGTCGCTGCATGGCGCCCGCCGTCACCTGGTCTTTGG[T>A]TTGGCTGGAGAGCATCAGTGACAGCAGCACCTGGTACCTGCGTACCTGCTTGTGCAGTGA-3'
Protein context (NP_002519.2, residues 124-144): VLLSLMLSSQ[Thr134Ser]KDQVTAGAMQ

ClinVar aggregate classification (germline): Uncertain significance (1 of 4 stars; one submission).

Conditions:
Hereditary cancer-predisposing syndrome. Also called: Neoplastic Syndromes, Hereditary; Tumor predisposition; Hereditary neoplastic syndrome; Hereditary Cancer Syndrome. Identifiers: Orphanet 140162, MedGen C0027672, MeSH D009386, MONDO:0015356.

Submission:

Ambry Genetics
Classification: Uncertain significance for Hereditary cancer-predisposing syndrome. Last evaluated: 2026-07-07. Review status: criteria provided, single submitter. Criteria: Ambry Variant Classification Scheme 2023. Collection method: clinical testing. Allele origin: germline.
Comment: The p.T142S variant (also known as c.424A>T), located in coding exon 3 of the NTHL1 gene, results from an A to T substitution at nucleotide position 424. The threonine at codon 142 is replaced by serine, an amino acid with similar properties. This amino acid position is conserved. In addition, this alteration is predicted to be deleterious by in silico analysis. Based on the available evidence, the clinical significance of this variant remains unclear.